The following is an entry in ClinVar:

NM_000153.4(GALC):c.955del (p.Tyr319fs)

Gene: GALC (galactosylceramidase; minus strand). Cytogenetic location: 14q31.3.
Variant type: Deletion.
Coding change: c.955del on transcript NM_000153.4 (MANE Select); coding-DNA position 955, one base deleted (T; older notation c.955delT).
Protein change: p.Tyr319fs; shifts the reading frame from tyrosine 319.
Molecular consequence: frameshift variant.
Genome position (GRCh38, 1-based): chr14:87,965,583, A deleted on the plus strand (T on the coding strand, the reverse complement: GALC is on the minus strand); the first of 2 consecutive A bases (chr14:87,965,583-87,965,584); deleting either gives the same sequence. VCF-style (leftmost placement, unchanged base first): chr14-87965582-TA-T. GRCh37 (hg19) VCF-style: chr14-88431926-TA-T.
Other names: c.955del (NM_000153.3); c.886del, p.Tyr296fs (NM_001201401.2); c.877del, p.Tyr293fs (NM_001201402.2); short protein forms Y319fs, Y293fs, Y296fs.
Identifiers: ClinVar variation 188767 (VCV000188767.21), dbSNP rs786204454, ClinGen allele CA273932.

ClinVar aggregate classification (germline): Pathogenic. Review status: criteria provided, multiple submitters, no conflicts (2 of 4 stars). 6 submissions from 6 submitters: Pathogenic (5). 1 of the submissions does not count toward it. Last evaluated 2025-08-18.

Conditions:
Galactosylceramide beta-galactosidase deficiency. Also called: GALACTOCEREBROSIDASE DEFICIENCY; GALC DEFICIENCY; GLOBOID CELL LEUKOENCEPHALOPATHY; Leukodystrophy, Globoid Cell; Krabbe Disease. Identifiers: Orphanet 487, MedGen C0023521, MONDO:0009499, OMIM 245200.

Submissions (6):

Labcorp Genetics (formerly Invitae), Labcorp
Classification: Pathogenic for Galactosylceramide beta-galactosidase deficiency. Last evaluated: 2025-08-18. Review status: criteria provided, single submitter. Criteria: Invitae Variant Classification Sherloc (09022015). Collection method: clinical testing. Allele origin: germline.
Comment: This sequence change creates a premature translational stop signal (p.Tyr319Metfs*6) in the GALC gene. It is expected to result in an absent or disrupted protein product. Loss-of-function variants in GALC are known to be pathogenic (PMID: 7437911, 9272171, 16607461). This variant is present in population databases (rs786204454, gnomAD 0.0009%). This premature translational stop signal has been observed in individual(s) with Krabbe disease (PMID: 9338580). This variant is also known as 906delT, c.907delT. ClinVar contains an entry for this variant (Variation ID: 188767). Algorithms developed to predict the effect of sequence changes on RNA splicing suggest that this variant may disrupt the consensus splice site. For these reasons, this variant has been classified as Pathogenic.

Fulgent Genetics
Classification: Pathogenic for Galactosylceramide beta-galactosidase deficiency. Last evaluated: 2024-03-21. Review status: criteria provided, single submitter. Criteria: ACMG Guidelines, 2015. Collection method: clinical testing. Allele origin: germline.

Women's Health and Genetics/Laboratory Corporation of America, LabCorp
Classification: Pathogenic for Galactosylceramide beta-galactosidase deficiency. Last evaluated: 2022-12-05. Review status: criteria provided, single submitter. Criteria: LabCorp Variant Classification Summary - May 2015. Collection method: clinical testing. Allele origin: germline.
Comment: Variant summary: GALC c.955delT (p.Tyr319MetfsX6) results in a premature termination codon, predicted to cause a truncation of the encoded protein or absence of the protein due to nonsense mediated decay, which are commonly known mechanisms for disease. Truncations downstream of this position have been classified as pathogenic by our laboratory. The variant allele was found at a frequency of 4e-06 in 248972 control chromosomes. c.955delT has been reported in the literature in individuals affected with Krabbe Disease (e.g. Wenger_1997, Lissens_2007, Fiumara_2011, Orsini_2016). At least one publication reports experimental evidence evaluating an impact on protein function (Saavedra-Martiz_2016). The most pronounced variant effect results in <5% of normal GALC enzymatic activity. Three ClinVar submitters (evaluation after 2014) cite the variant as pathogenic. Based on the evidence outlined above, the variant was classified as pathogenic.

GeneDx
Classification: Pathogenic. Last evaluated: 2022-06-28. Review status: criteria provided, single submitter. Criteria: GeneDx Variant Classification Process June 2021. Collection method: clinical testing. Allele origin: germline. Affected: yes.
Comment: Published functional studies demonstrate a significant decrease in enyme activity when compared to wild type (Saavedra-Matiz et al., 2016); Frameshift variant predicted to result in protein truncation or nonsense mediated decay in a gene for which loss of function is a known mechanism of disease; Not observed at significant frequency in large population cohorts (gnomAD); This variant is associated with the following publications: (PMID: 26795590, 9338580, 16759875, 27638593, 17579360)

Revvity Omics, Revvity
Classification: Pathogenic. Last evaluated: 2020-07-21. Review status: criteria provided, single submitter. Criteria: ACMG Guidelines, 2015. Collection method: clinical testing. Allele origin: germline.

Counsyl
Classification: Likely pathogenic for Galactosylceramide beta-galactosidase deficiency. Last evaluated: 2014-04-24. Review status: no assertion criteria provided. Collection method: literature only. Allele origin: unknown. Inheritance: Autosomal recessive inheritance. Not counted in ClinVar's aggregate classification.

Literature cited by the submitters: PubMed 7437911 (cited by Labcorp Genetics (formerly Invitae), Labcorp); PubMed 9272171 (cited by Labcorp Genetics (formerly Invitae), Labcorp); PubMed 16607461 (cited by Labcorp Genetics (formerly Invitae), Labcorp); PubMed 9338580 (cited by 3 submitters); PubMed 17579360 (cited by Women's Health and Genetics/Laboratory Corporation of America, LabCorp); PubMed 26795590 (cited by Women's Health and Genetics/Laboratory Corporation of America, LabCorp); PubMed 27638593 (cited by Women's Health and Genetics/Laboratory Corporation of America, LabCorp); PubMed 21070211 (cited by Women's Health and Genetics/Laboratory Corporation of America, LabCorp); PubMed 16759875 (cited by Counsyl).